The following is an entry in ClinVar:

NM_000338.3(SLC12A1):c.*862A>G

Gene: SLC12A1 (solute carrier family 12 member 1; plus strand). Cytogenetic location: 15q21.1.
Variant type: single nucleotide variant.
Coding change: c.*862A>G on transcript NM_000338.3 (MANE Select); 862 bases downstream of the stop codon, A replaced by G.
Molecular consequence: 3 prime UTR variant.
Genome position (GRCh38, 1-based): chr15:48,303,747, A>G. VCF-style: chr15-48303747-A-G. GRCh37 (hg19) VCF-style: chr15-48595944-A-G.
Other names: c.*862A>G (NM_001184832.2).
Identifiers: ClinVar variation 884438 (VCV000884438.4), dbSNP rs565665101, ClinGen allele CA269465854.

ClinVar aggregate classification (germline): Likely benign (1 of 4 stars; one submission).

Conditions:
Bartter disease type 1. Also called: HYPOKALEMIC ALKALOSIS WITH HYPERCALCIURIA 1, ANTENATAL; Bartter syndrome, type 1, antenatal; Bartter Syndrome type 1; HYPERPROSTAGLANDIN E SYNDROME 1. Identifiers: Orphanet 112, Orphanet 620217, MedGen C1866495, MONDO:0100344, OMIM 601678, MONDO:0011127.

Allele frequency attached by ClinVar (database versions not stated): gnomAD 0.00048 and 0.00049; 1000 Genomes Project 0.00060; TOPMed 0.00064; 1000 Genomes Project 30x 0.00078.
gnomAD v4.1: 72 of 152,326 alleles (0.047%); highest among the groups gnomAD compares: African/African-American, 0.15%; no homozygotes.

Submission:

Illumina Laboratory Services, Illumina
Classification: Likely benign for Bartter disease type 1. Last evaluated: 2018-01-13. Review status: criteria provided, single submitter. Criteria: ICSL Variant Classification Criteria 13 December 2019. Collection method: clinical testing. Allele origin: germline.
Comment: This variant was observed in the ICSL laboratory as part of a predisposition screen in an ostensibly healthy population. It had not been previously curated by ICSL or reported in the Human Gene Mutation Database (HGMD: prior to June 1st, 2018), and was therefore a candidate for classification through an automated scoring system. Utilizing variant allele frequency, disease prevalence and penetrance estimates, and inheritance mode, an automated score was calculated to assess if this variant is too frequent to cause the disease. Based on the score and internal cut-off values, a variant classified as likely benign is not then subjected to further curation. The score for this variant resulted in a classification of likely benign for this disease.